The following is an entry in ClinVar:

NM_022367.4(SEMA4A):c.2028_2037del (p.Gln677fs)

Gene: SEMA4A (semaphorin 4A; plus strand). Cytogenetic location: 1q22.
Variant type: Deletion.
Coding change: c.2028_2037del on transcript NM_022367.4 (MANE Select); coding-DNA positions 2028 to 2037, 10 bases deleted (CCAGCAGTCC; older notation c.2028_2037delCCAGCAGTCC).
Protein change: p.Gln677fs; shifts the reading frame from glutamine 677.
Molecular consequence: frameshift variant.
Genome position (GRCh38, 1-based): chr1:156,176,739-156,176,748, CCAGCAGTCC deleted; deleting any 10 consecutive bases within chr1:156,176,738-156,176,748 gives the same sequence; the c. name uses the placement nearest the transcript's 3' end. VCF-style (leftmost placement, unchanged base first): chr1-156176737-GCCCAGCAGTC-G. GRCh37 (hg19) VCF-style: chr1-156146528-GCCCAGCAGTC-G.
Other names: c.1731_1740del, p.Gln578fs (NM_001370568.1); c.1521_1530del, p.Gln508fs (NM_001370569.1, NM_001370571.1); c.2028_2037del, p.Gln677fs (NM_001193300.2, NM_001193301.2, NM_001370567.1); c.1632_1641del, p.Gln545fs (NM_001193302.2); short protein forms Q508fs, Q545fs, Q578fs, Q677fs.
Identifiers: ClinVar variation 2816971 (VCV002816971.3), dbSNP rs757639232, ClinGen allele CA1155509.

ClinVar aggregate classification (germline): Uncertain significance (1 of 4 stars; one submission).

Submission:

Labcorp Genetics (formerly Invitae), Labcorp
Classification: Uncertain significance. Last evaluated: 2025-02-16. Review status: criteria provided, single submitter. Criteria: Invitae Variant Classification Sherloc (09022015). Collection method: clinical testing. Allele origin: germline.
Comment: This sequence change creates a premature translational stop signal (p.Gln677Thrfs*14) in the SEMA4A gene. While this is not anticipated to result in nonsense mediated decay, it is expected to disrupt the last 85 amino acid(s) of the SEMA4A protein. This variant is present in population databases (rs757639232, gnomAD 0.007%). This variant has not been reported in the literature in individuals affected with SEMA4A-related conditions. ClinVar contains an entry for this variant (Variation ID: 2816971). In summary, the available evidence is currently insufficient to determine the role of this variant in disease. Therefore, it has been classified as a Variant of Uncertain Significance.